The following is an entry in ClinVar:

ClinVar aggregate classification (germline): Uncertain significance. Review status: criteria provided, multiple submitters, no conflicts (2 of 4 stars). 2 submissions from 2 submitters: Uncertain significance (2). Last evaluated 2025-05-14.

Conditions:
Arrhythmogenic right ventricular dysplasia 13. Also called: ARRHYTHMOGENIC RIGHT VENTRICULAR CARDIOMYOPATHY 13; Arrhythmogenic right ventricular dysplasia, familial, 13. Identifiers: MedGen C3810138, MONDO:0000908, OMIM 615616.

Allele frequency attached by ClinVar (database versions not stated): ExAC 0.00002; ESP Exome Variant Server 0.00008.
gnomAD v4.1: 47 of 1,612,432 alleles (0.0029%); highest among the groups gnomAD compares: African/African-American, 0.008%; no homozygotes.

Submissions (2):

Ambry Genetics
Classification: Uncertain significance. Last evaluated: 2025-05-14. Review status: criteria provided, single submitter. Criteria: Ambry Variant Classification Scheme 2023. Collection method: clinical testing. Allele origin: germline.
Comment: The p.L464V variant (also known as c.1390C>G), located in coding exon 10 of the CTNNA3 gene, results from a C to G substitution at nucleotide position 1390. The leucine at codon 464 is replaced by valine, an amino acid with highly similar properties. This amino acid position is conserved. In addition, this alteration is predicted to be tolerated by in silico analysis. Since supporting evidence is limited at this time, the clinical significance of this alteration remains unclear.

Labcorp Genetics (formerly Invitae), Labcorp
Classification: Uncertain significance for Arrhythmogenic right ventricular dysplasia 13. Last evaluated: 2024-04-25. Review status: criteria provided, single submitter. Criteria: Invitae Variant Classification Sherloc (09022015). Collection method: clinical testing. Allele origin: germline.
Comment: This sequence change replaces leucine, which is neutral and non-polar, with valine, which is neutral and non-polar, at codon 464 of the CTNNA3 protein (p.Leu464Val). This variant is present in population databases (rs367599520, gnomAD 0.01%). This variant has not been reported in the literature in individuals affected with CTNNA3-related conditions. ClinVar contains an entry for this variant (Variation ID: 1771539). Advanced modeling of protein sequence and biophysical properties (such as structural, functional, and spatial information, amino acid conservation, physicochemical variation, residue mobility, and thermodynamic stability) performed at Invitae indicates that this missense variant is not expected to disrupt CTNNA3 protein function with a negative predictive value of 80%. In summary, the available evidence is currently insufficient to determine the role of this variant in disease. Therefore, it has been classified as a Variant of Uncertain Significance.

NM_013266.4(CTNNA3):c.1390C>G (p.Leu464Val)

Gene: CTNNA3 (catenin alpha 3; minus strand). Cytogenetic location: 10q21.3.
Variant type: single nucleotide variant.
Coding change: c.1390C>G on transcript NM_013266.4 (MANE Select); coding-DNA position 1390, C replaced by G.
Protein change: p.Leu464Val; replaces leucine 464 with valine.
Molecular consequence: missense variant.
Genome position (GRCh38, 1-based): chr10:66,520,758, G>C on the plus strand (C>G on the coding strand, the complement: CTNNA3 is on the minus strand). VCF-style: chr10-66520758-G-C. GRCh37 (hg19) VCF-style: chr10-68280516-G-C.
Other names: c.1390C>G, p.Leu464Val (NM_001127384.3); short protein forms L464V.
Identifiers: ClinVar variation 1771539 (VCV001771539.5), dbSNP rs367599520, ClinGen allele CA5519963.
Genomic context (GRCh38, chr10:66,520,758, plus strand): 5'-GCTTGTACATTTCCATGGTGTTTTTGACCGCTTGACTTTTGGGTCTTGCAGCCAAAGCAA[G>C]TGCAGCATTAATAATCTATAAAGATAAGGATTGAAAAAATTACCTATTGGTTGCAATGTT-3'
Protein context (NP_037398.2, residues 454-474): TLCPQIINAA[Leu464Val]ALAARPKSQA